The following is an entry in ClinVar:

ClinVar aggregate classification (germline): Likely benign. Review status: criteria provided, multiple submitters, no conflicts (2 of 4 stars). 3 submissions from 3 submitters: Likely benign (3). Last evaluated 2026-01-11.

Conditions:
Inborn genetic diseases. Identifiers: MedGen C0950123, MeSH D030342.

Allele frequency attached by ClinVar (database versions not stated): gnomAD exomes 0.00004 and 0.00021; gnomAD 0.00005 and 0.00007; TOPMed 0.00006; ExAC 0.00015; 1000 Genomes Project 30x 0.00047; 1000 Genomes Project 0.00060.
gnomAD v4.1: 85 of 1,537,360 alleles (0.0055%); highest among the groups gnomAD compares: East Asian, 0.13%; no homozygotes.

Submissions (3):

Labcorp Genetics (formerly Invitae), Labcorp
Classification: Likely benign. Last evaluated: 2026-01-11. Review status: criteria provided, single submitter. Criteria: Invitae Variant Classification Sherloc (09022015). Collection method: clinical testing. Allele origin: germline.

GeneDx
Classification: Likely benign. Last evaluated: 2025-03-11. Review status: criteria provided, single submitter. Criteria: GeneDx Variant Classification Process June 2021. Collection method: clinical testing. Allele origin: germline. Affected: yes.
Comment: See Variant Classification Assertion Criteria.

Ambry Genetics
Classification: Likely benign for Inborn genetic diseases. Last evaluated: 2022-08-08. Review status: criteria provided, single submitter. Criteria: Ambry Variant Classification Scheme 2023. Collection method: clinical testing. Allele origin: germline.

NM_001378183.1(PIEZO2):c.3683G>A (p.Ser1228Asn)

Gene: PIEZO2 (piezo type mechanosensitive ion channel component 2; minus strand). Cytogenetic location: 18p11.22.
Variant type: single nucleotide variant.
Coding change: c.3683G>A on transcript NM_001378183.1 (MANE Select); coding-DNA position 3683, G replaced by A.
Protein change: p.Ser1228Asn; replaces serine 1228 with asparagine.
Molecular consequence: missense variant.
Genome position (GRCh38, 1-based): chr18:10,759,556, C>T on the plus strand (G>A on the coding strand, the complement: PIEZO2 is on the minus strand). VCF-style: chr18-10759556-C-T. GRCh37 (hg19) VCF-style: chr18-10759554-C-T.
Other names: c.3608G>A (NM_022068.2); c.3608G>A, p.Ser1203Asn (NM_022068.4); short protein forms S1203N, S1228N.
Identifiers: ClinVar variation 716694 (VCV000716694.12), dbSNP rs185314707, ClinGen allele CA8892508.